The following is an entry in ClinVar:

NM_001395656.1(ROBO2):c.3879A>T (p.Lys1293Asn)

Gene: ROBO2 (roundabout guidance receptor 2; plus strand). Cytogenetic location: 3p12.3.
Variant type: single nucleotide variant.
Coding change: c.3879A>T on transcript NM_001395656.1 (MANE Select); coding-DNA position 3879, A replaced by T.
Protein change: p.Lys1293Asn; replaces lysine 1293 with asparagine.
Molecular consequence: missense variant. On other transcripts: intron variant (1).
Genome position (GRCh38, 1-based): chr3:77,634,976, A>T. VCF-style: chr3-77634976-A-T. GRCh37 (hg19) VCF-style: chr3-77684127-A-T.
Other names: c.3915A>T, p.Lys1305Asn (NM_001128929.3); c.3879A>T, p.Lys1293Asn (NM_001290039.2); c.4062A>T, p.Lys1354Asn (NM_001290040.2, NM_001394212.1, NM_001395657.1); c.2088A>T, p.Lys696Asn (NM_001290065.2); c.3927A>T, p.Lys1309Asn (NM_001378190.1, NM_001378200.1, NM_001378201.1); c.4053A>T, p.Lys1351Asn (NM_001378191.1, NM_001378195.1, NM_001378196.1); c.3948A>T, p.Lys1316Asn (NM_001378192.1, NM_001378198.1, NM_001378199.1); c.3867A>T, p.Lys1289Asn (NM_001378193.1, NM_002942.5); and 6 more; short protein forms K1289N, K1290N, K1293N, K1305N, K1309N, K1312N, K1316N, K1331N.
Identifiers: ClinVar variation 4801743 (VCV004801743.1).

ClinVar aggregate classification (germline): Uncertain significance (1 of 4 stars; one submission).

Submission:

Labcorp Genetics (formerly Invitae), Labcorp
Classification: Uncertain significance. Last evaluated: 2025-09-03. Review status: criteria provided, single submitter. Criteria: Invitae Variant Classification Sherloc (09022015). Collection method: clinical testing. Allele origin: germline.
Comment: This sequence change replaces lysine, which is basic and polar, with asparagine, which is neutral and polar, at codon 1289 of the ROBO2 protein (p.Lys1289Asn). This variant is not present in population databases (gnomAD no frequency). This variant has not been reported in the literature in individuals affected with ROBO2-related conditions. Invitae Evidence Modeling of protein sequence and biophysical properties (such as structural, functional, and spatial information, amino acid conservation, physicochemical variation, residue mobility, and thermodynamic stability) indicates that this missense variant is not expected to disrupt ROBO2 protein function with a negative predictive value of 95%. In summary, the available evidence is currently insufficient to determine the role of this variant in disease. Therefore, it has been classified as a Variant of Uncertain Significance.